The following is an entry in ClinVar:

NM_016592.5(GNAS):c.390_425del (p.Thr131_Glu142del)

Genes: GNAS (GNAS complex locus; plus strand), GNAS-AS1 (GNAS antisense RNA 1; minus strand). Cytogenetic location: 20q13.32.
Variant type: Deletion.
Coding change: c.390_425del on transcript NM_016592.5 (MANE Plus Clinical); coding-DNA positions 390 to 425, 36 bases deleted.
Protein change: p.Thr131_Glu142del.
Molecular consequence: inframe deletion. On other transcripts: 5 prime UTR variant (1).
Genome position (GRCh38, 1-based): chr20:58,840,496-58,840,531, 36 bases deleted; deleting any 36 consecutive bases within chr20:58,840,481-58,840,531 gives the same sequence; the c. name uses the placement nearest the transcript's 3' end. GRCh37 (hg19): chr20:57,415,551-57,415,586.
Other names: c.-348_-313del (NM_001410912.1); c.390_425del36 (NM_016592.3).
Identifiers: ClinVar variation 1696617 (VCV001696617.2), dbSNP rs778192531, ClinGen allele CA9926315.

ClinVar aggregate classification (germline): Uncertain significance. Review status: criteria provided, multiple submitters, no conflicts (2 of 4 stars). 2 submissions from 2 submitters: Uncertain significance (2). Last evaluated 2024-11-20.

Conditions:
GNAS-related disorder. Identifiers: MedGen CN380105.

Submissions (2):

PreventionGenetics, part of Exact Sciences
Classification: Uncertain significance for GNAS-related condition. Last evaluated: 2024-11-20. Review status: criteria provided, single submitter. Criteria: ACMG Guidelines, 2015. Collection method: clinical testing. Allele origin: germline.
Comment: The GNAS c.390_425del36 variant is predicted to result in an in-frame deletion (p.Thr131_Glu142del). This variant is located in pre-coding region in other transcripts (for example, NM_080426.3:c.-51231_-51196del36). To our knowledge, this variant has not been reported in the literature or in a large population database (gnomAD), indicating this variant is rare. At this time, the clinical significance of this variant is uncertain due to the absence of conclusive functional and genetic evidence.

New York Genome Center
Classification: Uncertain significance. Last evaluated: 2021-08-20. Review status: criteria provided, single submitter. Criteria: NYGC Assertion Criteria 2020. Collection method: clinical testing. Allele origin: germline. Observed: 1 heterozygote. Study: CSER-NYCKidSeq.